The following is an entry in ClinVar:

ClinVar aggregate classification (germline): Uncertain significance (1 of 4 stars; one submission).

Conditions:
Hereditary nonpolyposis colorectal neoplasms. Identifiers: MedGen C0009405, MeSH D003123.

Submission:

Labcorp Genetics (formerly Invitae), Labcorp
Classification: Uncertain significance for Hereditary nonpolyposis colorectal neoplasms. Last evaluated: 2019-11-21. Review status: criteria provided, single submitter. Criteria: Invitae Variant Classification Sherloc (09022015). Collection method: clinical testing. Allele origin: germline.
Comment: In summary, the available evidence is currently insufficient to determine the role of this variant in disease. Therefore, it has been classified as a Variant of Uncertain Significance. Algorithms developed to predict the effect of missense changes on protein structure and function (SIFT, PolyPhen-2, Align-GVGD) all suggest that this variant is likely to be tolerated, but these predictions have not been confirmed by published functional studies and their clinical significance is uncertain. This variant has not been reported in the literature in individuals with MSH6-related conditions. This variant is not present in population databases (ExAC no frequency). This sequence change replaces isoleucine with serine at codon 258 of the MSH6 protein (p.Ile258Ser). The isoleucine residue is weakly conserved and there is a large physicochemical difference between isoleucine and serine.

NM_000179.3(MSH6):c.773T>G (p.Ile258Ser)

Gene: MSH6 (mutS homolog 6; plus strand). Cytogenetic location: 2p16.3.
Variant type: single nucleotide variant.
Coding change: c.773T>G on transcript NM_000179.3 (MANE Select); coding-DNA position 773, T replaced by G.
Protein change: p.Ile258Ser; replaces isoleucine 258 with serine.
Molecular consequence: missense variant. On other transcripts: 5 prime UTR variant (2).
Genome position (GRCh38, 1-based): chr2:47,798,756, T>G. VCF-style: chr2-47798756-T-G. GRCh37 (hg19) VCF-style: chr2-48025895-T-G.
Other names: c.383T>G, p.Ile128Ser (NM_001281492.2); c.-134T>G (NM_001281493.2, NM_001281494.2); short protein forms I258S, I128S.
Identifiers: ClinVar variation 845129 (VCV000845129.10), dbSNP rs1553412195, ClinGen allele CA346740219.